The following is an entry in ClinVar:

ClinVar aggregate classification (germline): Uncertain significance (1 of 4 stars; one submission).

Conditions:
Inborn genetic diseases. Identifiers: MedGen C0950123, MeSH D030342.

Submission:

Ambry Genetics
Classification: Uncertain significance for Inborn genetic diseases. Last evaluated: 2026-05-23. Review status: criteria provided, single submitter. Criteria: Ambry Variant Classification Scheme 2023. Collection method: clinical testing. Allele origin: germline.
Comment: The p.P108A variant (also known as c.322C>G), located in coding exon 3 of the HAX1 gene, results from a C to G substitution at nucleotide position 322. The proline at codon 108 is replaced by alanine, an amino acid with highly similar properties. This amino acid position is conserved. In addition, this alteration is predicted to be tolerated by in silico analysis. Based on the available evidence, the clinical significance of this variant remains unclear.

NM_006118.4(HAX1):c.322C>G (p.Pro108Ala)

Gene: HAX1 (HCLS1 associated protein X-1; plus strand). Cytogenetic location: 1q21.3.
Variant type: single nucleotide variant.
Coding change: c.322C>G on transcript NM_006118.4 (MANE Select); coding-DNA position 322, C replaced by G.
Protein change: p.Pro108Ala; replaces proline 108 with alanine.
Molecular consequence: missense variant.
Genome position (GRCh38, 1-based): chr1:154,273,779, C>G. VCF-style: chr1-154273779-C-G. GRCh37 (hg19) VCF-style: chr1-154246255-C-G.
Other names: c.178C>G, p.Pro60Ala (NM_001018837.2); short protein forms P108A, P60A.
Identifiers: ClinVar variation 4858283 (VCV004858283.1).